The following is an entry in ClinVar:

ClinVar aggregate classification (germline): Uncertain significance (1 of 4 stars; one submission).

Allele frequency attached by ClinVar (database versions not stated): gnomAD exomes below 0.00001.

Submission:

GeneDx
Classification: Uncertain significance. Last evaluated: 2022-12-06. Review status: criteria provided, single submitter. Criteria: GeneDx Variant Classification Process June 2021. Collection method: clinical testing. Allele origin: germline. Affected: yes.
Comment: Has not been previously published as pathogenic or benign to our knowledge; No data available from control populations to assess the frequency of this variant; In silico analysis is inconclusive as to whether the variant alters gene splicing. In the absence of RNA/functional studies, the actual effect of this sequence change is unknown.

NM_017837.4(PIGV):c.-57-7G>A

Gene: PIGV (phosphatidylinositol glycan anchor biosynthesis class V; plus strand). Cytogenetic location: 1p36.11.
Variant type: single nucleotide variant.
Coding change: c.-57-7G>A on transcript NM_017837.4 (MANE Select); 7 bases into the intron before 57 bases upstream of the start codon, G replaced by A.
Molecular consequence: intron variant.
Genome position (GRCh38, 1-based): chr1:26,790,752, G>A. VCF-style: chr1-26790752-G-A. GRCh37 (hg19) VCF-style: chr1-27117243-G-A.
Other names: c.-57-7G>A (NM_001374478.1, NM_001374480.1, NM_001374481.1 and 5 more transcripts); c.-304+2946G>A (NM_001374483.1).
Identifiers: ClinVar variation 2504749 (VCV002504749.1), dbSNP rs2081298334, ClinGen allele CA1160223162.